The following is an entry in ClinVar:

NM_002049.4(GATA1):c.658A>C (p.Thr220Pro)

Gene: GATA1 (GATA binding protein 1; plus strand). Cytogenetic location: Xp11.23.
Variant type: single nucleotide variant.
Coding change: c.658A>C on transcript NM_002049.4 (MANE Select); coding-DNA position 658, A replaced by C.
Protein change: p.Thr220Pro; replaces threonine 220 with proline.
Molecular consequence: missense variant.
Genome position (GRCh38, 1-based): chrX:48,792,382, A>C. VCF-style: chrX-48792382-A-C. GRCh37 (hg19) VCF-style: chrX-48650789-A-C.
Other names: short protein forms T220P.
Identifiers: ClinVar variation 1994672 (VCV001994672.13), dbSNP rs2519345093, ClinGen allele CA412870696.
Genomic context (GRCh38, chrX:48,792,382, plus strand): 5'-GAGGCCAGGGAGTGTGTGAACTGCGGAGCAACAGCCACTCCACTGTGGCGGAGGGACAGG[A>C]CAGGCCACTACCTATGCAACGCCTGCGGCCTCTATCACAAGATGAATGGGCAGAACAGGC-3'
Protein context (NP_002040.1, residues 210-230): TATPLWRRDR[Thr220Pro]GHYLCNACGL

ClinVar aggregate classification (germline): Uncertain significance. Review status: criteria provided, multiple submitters, no conflicts (2 of 4 stars). 2 submissions from 2 submitters: Uncertain significance (2). Last evaluated 2022-07-27.

Conditions:
Diamond-Blackfan anemia. Also called: Blackfan Diamond syndrome; Aregenerative anemia chronic congenital; Red cell aplasia, pure hereditary; Congenital hypoplastic anemia; Aase syndrome. Identifiers: Orphanet 124, MedGen C1260899, MeSH D029503, MONDO:0015253, HP:0004810.
GATA binding protein 1 related thrombocytopenia with dyserythropoiesis. Also called: GATA1-Related X-Linked Cytopenia; GATA1-Related Cytopenia. Identifiers: MedGen C1845837, MONDO:0100089.

Submissions (2):

GeneDx
Classification: Uncertain significance. Last evaluated: 2022-07-27. Review status: criteria provided, single submitter. Criteria: GeneDx Variant Classification Process June 2021. Collection method: clinical testing. Allele origin: germline. Affected: yes.
Comment: In silico analysis supports that this missense variant has a deleterious effect on protein structure/function; Not observed at significant frequency in large population cohorts (gnomAD); Has not been previously published as pathogenic or benign to our knowledge

Labcorp Genetics (formerly Invitae), Labcorp
Classification: Uncertain significance for GATA binding protein 1 related thrombocytopenia with dyserythropoiesis; Diamond-Blackfan anemia. Last evaluated: 2022-05-15. Review status: criteria provided, single submitter. Criteria: Invitae Variant Classification Sherloc (09022015). Collection method: clinical testing. Allele origin: germline.
Comment: In summary, the available evidence is currently insufficient to determine the role of this variant in disease. Therefore, it has been classified as a Variant of Uncertain Significance. Algorithms developed to predict the effect of missense changes on protein structure and function are either unavailable or do not agree on the potential impact of this missense change (SIFT: "Deleterious"; PolyPhen-2: "Probably Damaging"; Align-GVGD: "Class C0"). This variant has not been reported in the literature in individuals affected with GATA1-related conditions. This variant is not present in population databases (gnomAD no frequency). This sequence change replaces threonine, which is neutral and polar, with proline, which is neutral and non-polar, at codon 220 of the GATA1 protein (p.Thr220Pro).